The following is an entry in ClinVar:

ClinVar aggregate classification (germline): Uncertain significance (1 of 4 stars; one submission).

Conditions:
Charcot-Marie-Tooth disease type 4. Also called: Charcot-Marie-Tooth, Type 4; Charcot-Marie-Tooth disease, type IV. Identifiers: Orphanet 64749, MedGen C4082197, MONDO:0018995.

Allele frequency attached by ClinVar (database versions not stated): gnomAD exomes below 0.00001 and 0.00002; ExAC 0.00001.
gnomAD v4.1: 31 of 1,614,084 alleles (0.0019%); highest among the groups gnomAD compares: Non-Finnish European, 0.0026%; no homozygotes.

Submission:

Labcorp Genetics (formerly Invitae), Labcorp
Classification: Uncertain significance for Charcot-Marie-Tooth disease type 4. Last evaluated: 2019-01-09. Review status: criteria provided, single submitter. Criteria: Invitae Variant Classification Sherloc (09022015). Collection method: clinical testing. Allele origin: germline.
Comment: This variant has not been reported in the literature in individuals with FGD4-related conditions. ClinVar contains an entry for this variant (Variation ID: 476941). In summary, the available evidence is currently insufficient to determine the role of this variant in disease. Therefore, it has been classified as a Variant of Uncertain Significance. Nucleotide substitutions within the consensus splice site are a relatively common cause of aberrant splicing (PMID: 17576681, 9536098). Algorithms developed to predict the effect of sequence changes on RNA splicing suggest that this variant is not likely to affect RNA splicing, but this prediction has not been confirmed by published transcriptional studies. The frequency data for this variant in the population databases is considered unreliable, as metrics indicate poor data quality at this position in the ExAC database. This sequence change falls in intron 11 of the FGD4 gene. It does not directly change the encoded amino acid sequence of the FGD4 protein, but it affects a nucleotide within the consensus splice site of the intron.

Literature cited by the submitters: PubMed 17576681; PubMed 9536098.

NM_001370298.3(FGD4):c.1922+4A>G

Gene: FGD4 (FYVE, RhoGEF and PH domain containing 4; plus strand). Cytogenetic location: 12p11.21.
Variant type: single nucleotide variant.
Coding change: c.1922+4A>G on transcript NM_001370298.3 (MANE Select); 4 bases into the intron after coding-DNA position 1922, A replaced by G.
Molecular consequence: intron variant.
Genome position (GRCh38, 1-based): chr12:32,619,874, A>G. VCF-style: chr12-32619874-A-G. GRCh37 (hg19) VCF-style: chr12-32772808-A-G.
Other names: c.1922+4A>G (NM_001384126.1); c.1766+4A>G (NM_001304481.2); c.1232+4A>G (NM_001330374.2, NM_001330373.2, NM_001384130.1); c.1511+4A>G (NM_139241.3, NM_001384127.1, NM_001385118.1 and 1 more transcripts); c.479+4A>G (NM_001304484.2); c.959+4A>G (NM_001370297.1); c.767+4A>G (NM_001304483.2).
Identifiers: ClinVar variation 476941 (VCV000476941.9), dbSNP rs760192025, ClinGen allele CA6506900.